The following is an entry in ClinVar:

NM_004519.4(KCNQ3):c.1559G>A (p.Arg520Gln)

Gene: KCNQ3 (potassium voltage-gated channel subfamily Q member 3; minus strand). Cytogenetic location: 8q24.22.
Variant type: single nucleotide variant.
Coding change: c.1559G>A on transcript NM_004519.4 (MANE Select); coding-DNA position 1559, G replaced by A.
Protein change: p.Arg520Gln; replaces arginine 520 with glutamine.
Molecular consequence: missense variant.
Genome position (GRCh38, 1-based): chr8:132,140,085, C>T on the plus strand (G>A on the coding strand, the complement: KCNQ3 is on the minus strand). VCF-style: chr8-132140085-C-T. GRCh37 (hg19) VCF-style: chr8-133152332-C-T.
Other names: c.1199G>A, p.Arg400Gln (NM_001204824.2); c.1559G>A (NM_004519.3); short protein forms R400Q, R520Q.
Identifiers: ClinVar variation 1425032 (VCV001425032.7), dbSNP rs1433850673, ClinGen allele CA372219573.
Genomic context (GRCh38, chr8:132,140,085, plus strand): 5'-AGCTGGAGCGGGGGAGGCACACAGGCACAGGTGGGACCGTGGGGGCATTACCTGACGGCT[C>T]GGATGGCGGCCTTCAGGGTGGGGATCATGTCTTCGATGGGGAAGTCATTCCCATAGCCCC-3'
Protein context (NP_004510.1, residues 510-530): DMIPTLKAAI[Arg520Gln]AVRILQFRLY

ClinVar aggregate classification (germline): Uncertain significance. Review status: criteria provided, multiple submitters, no conflicts (2 of 4 stars). 2 submissions from 2 submitters: Uncertain significance (2). Last evaluated 2026-06-22.

Conditions:
Inborn genetic diseases. Identifiers: MedGen C0950123, MeSH D030342.
Benign neonatal seizures. Also called: Benign familial neonatal seizures; Convulsions benign familial neonatal dominant form; Autosomal dominant form of benign neonatal seizures; Benign familial neonatal epilepsy; Benign neonatal familial convulsions. Identifiers: Orphanet 1949, MedGen C0220669, MONDO:0016027.

Allele frequency attached by ClinVar (database versions not stated): gnomAD exomes 0.00001.
gnomAD v4.1: 4 of 1,595,704 alleles (0.00025%); highest among the groups gnomAD compares: Admixed American, 0.0051%; no homozygotes.

Submissions (2):

Ambry Genetics
Classification: Uncertain significance for Inborn genetic diseases. Last evaluated: 2026-06-22. Review status: criteria provided, single submitter. Criteria: Ambry Variant Classification Scheme 2023. Collection method: clinical testing. Allele origin: germline.
Comment: The c.1559G>A (p.R520Q) alteration is located in exon 11 (coding exon 11) of the KCNQ3 gene. This alteration results from a G to A substitution at nucleotide position 1559, causing the arginine (R) at amino acid position 520 to be replaced by a glutamine (Q). Based on data from gnomAD, the A allele has an overall frequency of 0.001% (3/231498) total alleles studied. The highest observed frequency was 0.009% (3/33078) of Latino alleles. Based on insufficient or conflicting evidence, the clinical significance of this alteration remains unclear.

Labcorp Genetics (formerly Invitae), Labcorp
Classification: Uncertain significance for Benign neonatal seizures. Last evaluated: 2025-12-08. Review status: criteria provided, single submitter. Criteria: Invitae Variant Classification Sherloc (09022015). Collection method: clinical testing. Allele origin: germline.
Comment: This sequence change replaces arginine, which is basic and polar, with glutamine, which is neutral and polar, at codon 520 of the KCNQ3 protein (p.Arg520Gln). This variant is present in population databases (no rsID available, gnomAD 0.009%). This variant has not been reported in the literature in individuals affected with KCNQ3-related conditions. ClinVar contains an entry for this variant (Variation ID: 1425032). Invitae Evidence Modeling of protein sequence and biophysical properties (such as structural, functional, and spatial information, amino acid conservation, physicochemical variation, residue mobility, and thermodynamic stability) indicates that this missense variant is not expected to disrupt KCNQ3 protein function with a negative predictive value of 80%. In summary, the available evidence is currently insufficient to determine the role of this variant in disease. Therefore, it has been classified as a Variant of Uncertain Significance.